The following is an entry in ClinVar:

NM_000388.4(CASR):c.566A>G (p.Asn189Ser)

Gene: CASR (calcium sensing receptor; plus strand). Cytogenetic location: 3q21.1.
Variant type: single nucleotide variant.
Coding change: c.566A>G on transcript NM_000388.4 (MANE Select); coding-DNA position 566, A replaced by G.
Protein change: p.Asn189Ser; replaces asparagine 189 with serine.
Molecular consequence: missense variant.
Genome position (GRCh38, 1-based): chr3:122,261,601, A>G. VCF-style: chr3-122261601-A-G. GRCh37 (hg19) VCF-style: chr3-121980448-A-G.
Other names: c.566A>G, p.Asn189Ser (NM_001178065.2); short protein forms N189S.
Identifiers: ClinVar variation 419926 (VCV000419926.13), dbSNP rs762998933, ClinGen allele CA2569509.
Genomic context (GRCh38, chr3:122,261,601, plus strand): 5'-CCTCCAGCAGACTCCTCAGCAACAAGAATCAATTCAAGTCTTTCCTCCGAACCATCCCCA[A>G]TGATGAGCACCAGGCCACTGCCATGGCAGACATCATCGAGTATTTCCGCTGGAACTGGGT-3'
Protein context (NP_000379.3, residues 179-199): QFKSFLRTIP[Asn189Ser]DEHQATAMAD

ClinVar aggregate classification (germline): Uncertain significance. Review status: criteria provided, multiple submitters, no conflicts (2 of 4 stars). 5 submissions from 5 submitters: Uncertain significance (5). Last evaluated 2024-05-15.

Conditions:
Hypercalcemia. Also called: hypercalcaemia. Identifiers: MedGen C0020437, MONDO:0001566, HP:0003072.
Autosomal dominant hypocalcemia 1 (HYPOC1). Also called: HYPOCALCEMIA, FAMILIAL. Identifiers: MedGen C3715128, MONDO:0011013, OMIM 601198.
Familial hypocalciuric hypercalcemia (FHH). Also called: Familial benign hypercalcemia. Identifiers: Orphanet 405, MedGen C1809471, MONDO:0018458.

Allele frequency attached by ClinVar (database versions not stated): ExAC 0.00001; gnomAD exomes 0.00002; TOPMed 0.00002; gnomAD 0.00003.
gnomAD v4.1: 51 of 1,614,094 alleles (0.0032%); highest among the groups gnomAD compares: South Asian, 0.0066%; no homozygotes.

Submissions (5):

Labcorp Genetics (formerly Invitae), Labcorp
Classification: Uncertain significance for Familial hypocalciuric hypercalcemia; Autosomal dominant hypocalcemia 1. Last evaluated: 2024-05-15. Review status: criteria provided, single submitter. Criteria: Invitae Variant Classification Sherloc (09022015). Collection method: clinical testing. Allele origin: germline.
Comment: This sequence change replaces asparagine, which is neutral and polar, with serine, which is neutral and polar, at codon 189 of the CASR protein (p.Asn189Ser). The frequency data for this variant in the population databases is considered unreliable, as metrics indicate poor data quality at this position in the gnomAD database. This missense change has been observed in individual(s) with clinical features of familial hypocalciuric hypercalcemia (PMID: 31672324). ClinVar contains an entry for this variant (Variation ID: 419926). An algorithm developed to predict the effect of missense changes on protein structure and function (PolyPhen-2) suggests that this variant¬¨‚Ä†is likely to be tolerated. In summary, the available evidence is currently insufficient to determine the role of this variant in disease. Therefore, it has been classified as a Variant of Uncertain Significance.

Women's Health and Genetics/Laboratory Corporation of America, LabCorp
Classification: Uncertain significance. Last evaluated: 2023-03-07. Review status: criteria provided, single submitter. Criteria: LabCorp Variant Classification Summary - May 2015. Collection method: clinical testing. Allele origin: germline.
Comment: Variant summary: CASR c.566A>G (p.Asn189Ser) results in a conservative amino acid change located in the Receptor, ligand binding region (IPR001828) of the encoded protein sequence. Three of five in-silico tools predict a benign effect of the variant on protein function. The variant allele was found at a frequency of 2e-05 in 251222 control chromosomes (gnomAD). The available data on variant occurrences in the general population are insufficient to allow any conclusion about variant significance. c.566A>G has been reported in the literature as a VUS in settings of multigene panel testing at-least one individual reportedly affected with Familial Benign Hypercalcemia (example, Hureaux_2019). This report does not provide unequivocal conclusions about association of the variant with Familial Hypocalciuric Hypercalcemia. Three ClinVar submitters have assessed the variant since 2014: all three classified the variant as uncertain significance. Based on the evidence outlined above, the variant was classified as uncertain significance.

Blueprint Genetics
Classification: Uncertain significance. Last evaluated: 2021-09-02. Review status: criteria provided, single submitter. Criteria: ACMG Guidelines, 2015. Collection method: clinical testing. Allele origin: germline.

Genetics and Molecular Pathology, SA Pathology
Classification: Uncertain significance for Hypercalcemia. Last evaluated: 2020-08-04. Review status: criteria provided, single submitter. Criteria: ACMG Guidelines, 2015. Collection method: clinical testing. Allele origin: germline. Inheritance: Autosomal dominant inheritance. Affected: yes.

GeneDx
Classification: Uncertain significance. Last evaluated: 2016-10-21. Review status: criteria provided, single submitter. Criteria: GeneDx Variant Classification (06012015). Collection method: clinical testing. Allele origin: germline. Affected: yes.
Comment: A variant of uncertain significance has been identified in the CASR gene. It was not observed in approximately 6,500 individuals of European and African American ancestry in the NHLBI Exome Sequencing Project, indicating it is not a common benign variant in these populations. N189S is a conservative amino acid substitution, which is not likely to impact secondary protein structure as these residues share similar properties. This substitution occurs at a position where amino acids with similar properties to Asparagine are tolerated across species. However, in silico analysis is inconsistent in its predictions as to whether or not the variant is damaging to the protein structure/function, and a study by Stewart et al. found no detectable difference in activity from wild type when N189S is assessed in a calcium-dependent MAP kinase activation model (Stewart et al., 2004). Missense variants in nearby residues (R185Q, D190G/E, D191K) have been reported in the Human Gene Mutation Database in association with CASR-related disorders (Stenson et al., 2014), supporting the functional importance of this region of the protein. Therefore, based on the currently available information, it is unclear whether this variant is a pathogenic variant or a rare benign variant.

Literature cited by the submitters: PubMed 31672324 (cited by Labcorp Genetics (formerly Invitae), Labcorp and Women's Health and Genetics/Laboratory Corporation of America, LabCorp).